The following is an entry in ClinVar:

NM_001349338.3(FOXP1):c.1118C>A (p.Ser373Tyr)

Gene: FOXP1 (forkhead box P1; minus strand). Cytogenetic location: 3p13.
Variant type: single nucleotide variant.
Coding change: c.1118C>A on transcript NM_001349338.3 (MANE Select); coding-DNA position 1118, C replaced by A.
Protein change: p.Ser373Tyr; replaces serine 373 with tyrosine.
Molecular consequence: missense variant. On other transcripts: non-coding transcript variant (2).
Genome position (GRCh38, 1-based): chr3:70,988,022, G>T on the plus strand (C>A on the coding strand, the complement: FOXP1 is on the minus strand). VCF-style: chr3-70988022-G-T. GRCh37 (hg19) VCF-style: chr3-71037173-G-T.
Other names: c.1118C>A, p.Ser373Tyr (NM_001244808.3, NM_001244810.2, NM_001244814.3 and 4 more transcripts); c.890C>A, p.Ser297Tyr (NM_001244812.3); c.818C>A, p.Ser273Tyr (NM_001244813.3, NM_001244815.2, NM_001349342.3 and 1 more transcripts); c.815C>A, p.Ser272Tyr (NM_001349337.2, NM_001349343.3, NM_001349344.3); c.1115C>A, p.Ser372Tyr (NM_001349341.3); short protein forms S272Y, S372Y, S273Y, S297Y, S373Y.
Identifiers: ClinVar variation 1994655 (VCV001994655.4), dbSNP rs2545264779, ClinGen allele CA353494643.

ClinVar aggregate classification (germline): Uncertain significance (1 of 4 stars; one submission).

Submission:

Labcorp Genetics (formerly Invitae), Labcorp
Classification: Uncertain significance. Last evaluated: 2022-05-15. Review status: criteria provided, single submitter. Criteria: Invitae Variant Classification Sherloc (09022015). Collection method: clinical testing. Allele origin: germline.
Comment: This variant is not present in population databases (gnomAD no frequency). This sequence change replaces serine, which is neutral and polar, with tyrosine, which is neutral and polar, at codon 373 of the FOXP1 protein (p.Ser373Tyr). This variant has not been reported in the literature in individuals affected with FOXP1-related conditions. Algorithms developed to predict the effect of missense changes on protein structure and function are either unavailable or do not agree on the potential impact of this missense change (SIFT: "Deleterious"; PolyPhen-2: "Probably Damaging"; Align-GVGD: "Class C0"). In summary, the available evidence is currently insufficient to determine the role of this variant in disease. Therefore, it has been classified as a Variant of Uncertain Significance.